The following is an entry in ClinVar:

NM_000059.4(BRCA2):c.7471del (p.Gln2491fs)

Gene: BRCA2 (BRCA2 DNA repair associated; plus strand). Cytogenetic location: 13q13.1.
Variant type: Deletion.
Coding change: c.7471del on transcript NM_000059.4 (MANE Select); coding-DNA position 7471, one base deleted (C; older notation c.7471delC).
Protein change: p.Gln2491fs; shifts the reading frame from glutamine 2491.
Molecular consequence: frameshift variant.
Genome position (GRCh38, 1-based): chr13:32,356,463, C deleted. VCF-style (leftmost placement, unchanged base first): chr13-32356462-AC-A. GRCh37 (hg19) VCF-style: chr13-32930599-AC-A.
Other names: c.7471delC (NM_000059.3).
Identifiers: ClinVar variation 254606 (VCV000254606.7), dbSNP rs886038170, ClinGen allele CA10586576.

ClinVar aggregate classification (germline): Pathogenic. Review status: reviewed by expert panel (3 of 4 stars). 4 submissions from 4 submitters: Pathogenic (1). 3 of the submissions do not count toward it. Last evaluated 2016-09-08.

Conditions:
Breast and/or ovarian cancer. Identifiers: MedGen CN221562.
Hereditary breast ovarian cancer syndrome. Also called: Hereditary breast and ovarian cancer; Breast and ovarian cancer; Hereditary breast and/or ovarian cancer syndrome; BRCA1- and BRCA2-Associated Hereditary Breast and Ovarian Cancer; Hereditary breast and ovarian cancer syndrome; Hereditary breast and ovarian cancer syndrome (HBOC). Identifiers: Orphanet 145, MedGen C0677776, MeSH D061325, MONDO:0003582. Disease mechanism: loss of function.
Breast-ovarian cancer, familial, susceptibility to, 2 (BROVCA2). Also called: BRCA2 Hereditary Breast and Ovarian Cancer. Identifiers: Orphanet 145, MedGen C2675520, MONDO:0012933, OMIM 612555. Disease mechanism: loss of function.

Submissions (4):

Evidence-based Network for the Interpretation of Germline Mutant Alleles (ENIGMA)
Classification: Pathogenic for Breast-ovarian cancer, familial, susceptibility to, 2. Last evaluated: 2016-09-08. Review status: reviewed by expert panel. Criteria: ENIGMA BRCA1/2 Classification Criteria (2015). Collection method: curation. Allele origin: germline.
Comment: Variant allele predicted to encode a truncated non-functional protein.

CHEO Genetics Diagnostic Laboratory, Children's Hospital of Eastern Ontario
Classification: Likely pathogenic for Breast and/or ovarian cancer. Last evaluated: 2016-02-11. Review status: criteria provided, single submitter. Criteria: ACMG Guidelines, 2015. Collection method: clinical testing. Allele origin: germline. Study: Canadian Open Genetics Repository. Not counted in ClinVar's aggregate classification.

Consortium of Investigators of Modifiers of BRCA1/2 (CIMBA), c/o University of Cambridge
Classification: Pathogenic for Breast-ovarian cancer, familial, susceptibility to, 2. Last evaluated: 2015-10-02. Review status: criteria provided, single submitter. Criteria: CIMBA Mutation Classification guidelines May 2016. Collection method: clinical testing. Allele origin: germline. Not counted in ClinVar's aggregate classification.

Research Molecular Genetics Laboratory, Women's College Hospital, University of Toronto
Classification: Pathogenic for Hereditary breast ovarian cancer syndrome. Last evaluated: 2014-01-31. Review status: no assertion criteria provided. Collection method: research. Allele origin: germline. Affected: yes. Study: The Canadian Open Genetics Repository (COGR). Not counted in ClinVar's aggregate classification.